The following is an entry in ClinVar:

ClinVar aggregate classification (germline): Uncertain significance. Review status: criteria provided, multiple submitters, no conflicts (2 of 4 stars). 2 submissions from 2 submitters: Uncertain significance (2). Last evaluated 2022-05-13.

Conditions:
Multiple endocrine neoplasia, type 1 (MEN1). Also called: MEN I; WERMER SYNDROME; MEA I; Endocrine adenomatosis multiple; MEN 1. Identifiers: Orphanet 652, MedGen C0025267, MeSH D018761, MONDO:0007540, OMIM 131100.

Allele frequency attached by ClinVar (database versions not stated): gnomAD 0.00001.
gnomAD v4.1: 1 of 1,612,576 alleles (0.000062%); highest among the groups gnomAD compares: Non-Finnish European, 0.000085%; no homozygotes.

Submissions (2):

Labcorp Genetics (formerly Invitae), Labcorp
Classification: Uncertain significance for Multiple endocrine neoplasia, type 1. Last evaluated: 2022-05-13. Review status: criteria provided, single submitter. Criteria: Invitae Variant Classification Sherloc (09022015). Collection method: clinical testing. Allele origin: germline.
Comment: In summary, the available evidence is currently insufficient to determine the role of this variant in disease. Therefore, it has been classified as a Variant of Uncertain Significance. Advanced modeling of protein sequence and biophysical properties (such as structural, functional, and spatial information, amino acid conservation, physicochemical variation, residue mobility, and thermodynamic stability) performed at Invitae indicates that this missense variant is not expected to disrupt MEN1 protein function. ClinVar contains an entry for this variant (Variation ID: 560776). This variant has not been reported in the literature in individuals affected with MEN1-related conditions. This variant is not present in population databases (gnomAD no frequency). This sequence change replaces glutamic acid, which is acidic and polar, with alanine, which is neutral and non-polar, at codon 530 of the MEN1 protein (p.Glu530Ala).

PreventionGenetics, part of Exact Sciences
Classification: Uncertain significance. Last evaluated: 2017-11-08. Review status: criteria provided, single submitter. Criteria: ACMG Guidelines, 2015. Collection method: clinical testing. Allele origin: germline.

NM_001370259.2(MEN1):c.1589A>C (p.Glu530Ala)

Gene: MEN1 (menin 1; minus strand). Cytogenetic location: 11q13.1.
Variant type: single nucleotide variant.
Coding change: c.1589A>C on transcript NM_001370259.2 (MANE Select); coding-DNA position 1589, A replaced by C.
Protein change: p.Glu530Ala; replaces glutamic acid 530 with alanine.
Molecular consequence: missense variant.
Genome position (GRCh38, 1-based): chr11:64,804,578, T>G on the plus strand (A>C on the coding strand, the complement: MEN1 is on the minus strand). VCF-style: chr11-64804578-T-G. GRCh37 (hg19) VCF-style: chr11-64572050-T-G.
Other names: c.1604A>C, p.Glu535Ala (NM_130803.3, NM_130804.3, NM_000244.4 and 3 more transcripts); c.1715A>C, p.Glu572Ala (NM_001370251.2); c.1589A>C, p.Glu530Ala (NM_001370260.2, NM_001370261.2, NM_130799.3); c.1484A>C, p.Glu495Ala (NM_001370262.2, NM_001370263.2); short protein forms E530A, E535A, E495A, E572A.
Identifiers: ClinVar variation 560776 (VCV000560776.7), dbSNP rs1565636654, ClinGen allele CA381178280.